The following is an entry in ClinVar:

NM_004304.5(ALK):c.691A>G (p.Thr231Ala)

Gene: ALK (ALK receptor tyrosine kinase; minus strand). Cytogenetic location: 2p23.2.
Variant type: single nucleotide variant.
Coding change: c.691A>G on transcript NM_004304.5 (MANE Select); coding-DNA position 691, A replaced by G.
Protein change: p.Thr231Ala; replaces threonine 231 with alanine.
Molecular consequence: missense variant.
Genome position (GRCh38, 1-based): chr2:29,717,674, T>C on the plus strand (A>G on the coding strand, the complement: ALK is on the minus strand). VCF-style: chr2-29717674-T-C. GRCh37 (hg19) VCF-style: chr2-29940540-T-C.
Other names: short protein forms T231A.
Identifiers: ClinVar variation 969344 (VCV000969344.9), dbSNP rs1060500230, ClinGen allele CA346587808.
Genomic context (GRCh38, chr2:29,717,674, plus strand): 5'-CTTTCATTATCCAGGTGAGATTCCATGTAAAATAATCAGGAGAAGGAGAAGGCATGTTTG[T>C]TGGTGATTCCAAGGAGCTATGACCTGGACATAAAAATAAAGAAAACACTGATCCATGTGC-3'
Protein context (NP_004295.2, residues 221-241): GTGHSSLESP[Thr231Ala]NMPSPSPDYF

ClinVar aggregate classification (germline): Uncertain significance (1 of 4 stars; one submission).

Conditions:
Neuroblastoma, susceptibility to, 3. Also called: ALK-Related Neuroblastic Tumor Susceptibility. Identifiers: Orphanet 635, MedGen C2751681, MONDO:0013083, OMIM 613014.

Submission:

Labcorp Genetics (formerly Invitae), Labcorp
Classification: Uncertain significance for Neuroblastoma, susceptibility to, 3. Last evaluated: 2024-02-23. Review status: criteria provided, single submitter. Criteria: Invitae Variant Classification Sherloc (09022015). Collection method: clinical testing. Allele origin: germline.
Comment: This sequence change replaces threonine, which is neutral and polar, with alanine, which is neutral and non-polar, at codon 231 of the ALK protein (p.Thr231Ala). This variant is not present in population databases (gnomAD no frequency). This variant has not been reported in the literature in individuals affected with ALK-related conditions. ClinVar contains an entry for this variant (Variation ID: 969344). Algorithms developed to predict the effect of missense changes on protein structure and function output the following: SIFT: "Not Available"; PolyPhen-2: "Benign"; Align-GVGD: "Not Available". The alanine amino acid residue is found in multiple mammalian species, which suggests that this missense change does not adversely affect protein function. In summary, the available evidence is currently insufficient to determine the role of this variant in disease. Therefore, it has been classified as a Variant of Uncertain Significance.